The following is an entry in ClinVar:

NM_001374828.1(ARID1B):c.591GCA[11] (p.Gln214_His215insGlnGlnGlnGln)

Genes: ARID1B (AT-rich interaction domain 1B; plus strand), LOC115308161 (uncharacterized LOC115308161; minus strand). Cytogenetic location: 6q25.3.
Variant type: Microsatellite.
Coding change: c.591GCA[11] on transcript NM_001374828.1 (MANE Select); 11 copies in a row of the 3-base unit GCA starting at c.591; the reference has seven copies in a row; four copies, 12 bases duplicated.
Protein change: p.Gln214_His215insGlnGlnGlnGln.
Molecular consequence: inframe insertion. On other transcripts: inframe indel (1), non-coding transcript variant (1).
Genome position (GRCh38, 1-based): chr6:156,778,280-156,778,291, GCAGCAGCAGCA duplicated; duplicating any 12 consecutive bases within chr6:156,778,269-156,778,291 gives the same sequence; the position shown is the placement nearest the transcript's 3' end. VCF-style (leftmost placement, unchanged base first): chr6-156778268-C-CCAGCAGCAGCAG. GRCh37 (hg19) VCF-style: chr6-157099402-C-CCAGCAGCAGCAG.
Other names: c.351_362dup (NM_020732.3); c.591GCA[11], p.Gln214_His215insGlnGlnGlnGln (NM_001371656.1, NM_001374820.1, NM_017519.3).
Identifiers: ClinVar variation 2439179 (VCV002439179.3), dbSNP rs587779743, ClinGen allele CA4066647.

ClinVar aggregate classification (germline): Uncertain significance. Review status: criteria provided, multiple submitters, no conflicts (2 of 4 stars). 2 submissions from 2 submitters: Uncertain significance (2). Last evaluated 2024-02-25.

Conditions:
Coffin-Siris syndrome 1 (CSS1). Also called: ARID1B-Related Coffin-Siris Syndrome; Mental retardation, autosomal dominant 12. Identifiers: Orphanet 1465, MedGen C3281201, MONDO:0007617, OMIM 135900. Disease mechanism: gain of function.

Submissions (2):

Labcorp Genetics (formerly Invitae), Labcorp
Classification: Uncertain significance. Last evaluated: 2024-02-25. Review status: criteria provided, single submitter. Criteria: Invitae Variant Classification Sherloc (09022015). Collection method: clinical testing. Allele origin: germline.
Comment: This variant, c.351_362dup, results in the insertion of 4 amino acid(s) of the ARID1B protein (p.Gln128_Gln131dup), but otherwise preserves the integrity of the reading frame. This variant is not present in population databases (gnomAD no frequency). This variant has not been reported in the literature in individuals affected with ARID1B-related conditions. ClinVar contains an entry for this variant (Variation ID: 2439179). In summary, the available evidence is currently insufficient to determine the role of this variant in disease. Therefore, it has been classified as a Variant of Uncertain Significance.

Revvity Omics, Revvity
Classification: Uncertain significance for Coffin-Siris syndrome 1. Last evaluated: 2021-04-16. Review status: criteria provided, single submitter. Criteria: ACMG Guidelines, 2015. Collection method: clinical testing. Allele origin: germline.